The following is an entry in ClinVar:

ClinVar aggregate classification (germline): Benign (1 of 4 stars; one submission).

Allele frequency attached by ClinVar (database versions not stated): 1000 Genomes Project 0.00280; TOPMed 0.00715; gnomAD 0.00776.

Submission:

CeGaT Center for Human Genetics Tuebingen
Classification: Benign. Last evaluated: 2022-09-01. Review status: criteria provided, single submitter. Criteria: CeGaT Center For Human Genetics Tuebingen Variant Classification Criteria Version 2. Collection method: clinical testing. Allele origin: germline. Affected: yes. Observed: 2 variant alleles.
Comment: GABRD: BS1, BS2

NM_000815.5(GABRD):c.69-720C>T

Gene: GABRD (gamma-aminobutyric acid type A receptor subunit delta; plus strand). Cytogenetic location: 1p36.33.
Variant type: single nucleotide variant.
Coding change: c.69-720C>T on transcript NM_000815.5 (MANE Select); 720 bases into the intron before coding-DNA position 69, C replaced by T.
Molecular consequence: intron variant.
Genome position (GRCh38, 1-based): chr1:2,024,222, C>T. VCF-style: chr1-2024222-C-T. GRCh37 (hg19) VCF-style: chr1-1955661-C-T.
Identifiers: ClinVar variation 2638070 (VCV002638070.24), dbSNP rs191110510, ClinGen allele CA16884098.
Genomic context (GRCh38, chr1:2,024,222, plus strand): 5'-TGGGTGGATGTGCATTTTGGGGGACGCTGTTCAACCCAGTGCAGGTGAGCAGATGGGGGC[C>T]GGGGGGGTGCTGGGGTGCTCTGGGCTCTGGCAGCATGGTGTGTATGGGGAGGAGATGCCT-3'